The following is an entry in ClinVar:

NM_015512.5(DNAH1):c.5581G>A (p.Val1861Ile)

Gene: DNAH1 (dynein axonemal heavy chain 1; plus strand). Cytogenetic location: 3p21.1.
Variant type: single nucleotide variant.
Coding change: c.5581G>A on transcript NM_015512.5 (MANE Select); coding-DNA position 5581, G replaced by A.
Protein change: p.Val1861Ile; replaces valine 1861 with isoleucine.
Molecular consequence: missense variant.
Genome position (GRCh38, 1-based): chr3:52,366,519, G>A. VCF-style: chr3-52366519-G-A. GRCh37 (hg19) VCF-style: chr3-52400535-G-A.
Other names: c.5581G>A (NM_015512.4); short protein forms V1861I.
Identifiers: ClinVar variation 2072858 (VCV002072858.6), dbSNP rs762445479, ClinGen allele CA2434254.

ClinVar aggregate classification (germline): Uncertain significance. Review status: criteria provided, multiple submitters, no conflicts (2 of 4 stars). 2 submissions from 2 submitters: Uncertain significance (2). Last evaluated 2025-08-22.

Conditions:
Spermatogenic failure 18. Identifiers: MedGen C4539783, MONDO:0054615, OMIM 617576.
Ciliary dyskinesia, primary, 37 (CILD37). Also called: CILIARY DYSKINESIA, PRIMARY, 37, WITH OR WITHOUT SITUS INVERSUS. Identifiers: MedGen C4539798, MONDO:0033204, OMIM 617577.

Allele frequency attached by ClinVar (database versions not stated): ExAC 0.00025; gnomAD exomes 0.00006; gnomAD 0.00007; TOPMed 0.00007.
gnomAD v4.1: 93 of 1,601,054 alleles (0.0058%); highest among the groups gnomAD compares: Non-Finnish European, 0.0071%; no homozygotes.

Submissions (2):

Ambry Genetics
Classification: Uncertain significance. Last evaluated: 2025-08-22. Review status: criteria provided, single submitter. Criteria: Ambry Variant Classification Scheme 2023. Collection method: clinical testing. Allele origin: germline.

Labcorp Genetics (formerly Invitae), Labcorp
Classification: Uncertain significance for Ciliary dyskinesia, primary, 37; Spermatogenic failure 18. Last evaluated: 2025-05-12. Review status: criteria provided, single submitter. Criteria: Invitae Variant Classification Sherloc (09022015). Collection method: clinical testing. Allele origin: germline.
Comment: This sequence change replaces valine, which is neutral and non-polar, with isoleucine, which is neutral and non-polar, at codon 1861 of the DNAH1 protein (p.Val1861Ile). The frequency data for this variant in the population databases is considered unreliable, as metrics indicate poor data quality at this position in the gnomAD database. This variant has not been reported in the literature in individuals affected with DNAH1-related conditions. ClinVar contains an entry for this variant (Variation ID: 2072858). Invitae Evidence Modeling of protein sequence and biophysical properties (such as structural, functional, and spatial information, amino acid conservation, physicochemical variation, residue mobility, and thermodynamic stability) indicates that this missense variant is expected to disrupt DNAH1 protein function with a positive predictive value of 80%. In summary, the available evidence is currently insufficient to determine the role of this variant in disease. Therefore, it has been classified as a Variant of Uncertain Significance.